The following is an entry in ClinVar:

ClinVar aggregate classification (germline): Benign/Likely benign. Review status: criteria provided, multiple submitters, no conflicts (2 of 4 stars). 4 submissions from 4 submitters: Benign (1); Likely benign (3). Last evaluated 2025-12-01.

Conditions:
Growth delay due to insulin-like growth factor I resistance. Also called: Insulin-Like Growth Factor I Resistance; Somatomedin end-organ insensitivity to; Somatomedin-c resistance to; IGF-1 resistance; IGF-I RESISTANCE. Identifiers: Orphanet 73273, MedGen C1849157, MONDO:0010038, OMIM 270450.

Allele frequency attached by ClinVar (database versions not stated): gnomAD exomes 0.00014 and 0.00041; gnomAD 0.00015 and 0.00017; TOPMed 0.00030; 1000 Genomes Project 30x 0.00031; ExAC 0.00037; 1000 Genomes Project 0.00040.
gnomAD v4.1: 259 of 1,613,282 alleles (0.016%); highest among the groups gnomAD compares: East Asian, 0.35%; no homozygotes.

Submissions (4):

Labcorp Genetics (formerly Invitae), Labcorp
Classification: Benign. Last evaluated: 2025-12-01. Review status: criteria provided, single submitter. Criteria: Invitae Variant Classification Sherloc (09022015). Collection method: clinical testing. Allele origin: germline.

Women's Health and Genetics/Laboratory Corporation of America, LabCorp
Classification: Likely benign. Last evaluated: 2025-04-14. Review status: criteria provided, single submitter. Criteria: LabCorp Variant Classification Summary - May 2015. Collection method: clinical testing. Allele origin: germline.

Blueprint Genetics
Classification: Likely benign. Last evaluated: 2024-11-05. Review status: criteria provided, single submitter. Criteria: ACMG Guidelines, 2015. Collection method: clinical testing. Allele origin: germline.

Illumina Laboratory Services, Illumina
Classification: Likely benign for Growth delay due to insulin-like growth factor I resistance. Last evaluated: 2017-04-28. Review status: criteria provided, single submitter. Criteria: ICSL Variant Classification Criteria 13 December 2019. Collection method: clinical testing. Allele origin: germline.
Comment: This variant was observed as part of a predisposition screen in an ostensibly healthy population. A literature search was performed for the gene, cDNA change, and amino acid change (where applicable). No publications were found based on this search. Allele frequency data from public databases allowed determination this variant is unlikely to cause disease. Therefore, this variant is classified as likely benign.

NM_000875.5(IGF1R):c.4065C>T (p.Asn1355=)

Gene: IGF1R (insulin like growth factor 1 receptor; plus strand). Cytogenetic location: 15q26.3.
Variant type: single nucleotide variant.
Coding change: c.4065C>T on transcript NM_000875.5 (MANE Select); coding-DNA position 4065, C replaced by T.
Protein change: p.Asn1355=; no amino-acid change (asparagine 1355 retained).
Molecular consequence: synonymous variant.
Genome position (GRCh38, 1-based): chr15:98,957,403, C>T. VCF-style: chr15-98957403-C-T. GRCh37 (hg19) VCF-style: chr15-99500632-C-T.
Other names: c.4062C>T, p.Asn1354= (NM_001291858.2).
Identifiers: ClinVar variation 730100 (VCV000730100.14), dbSNP rs45453791, ClinGen allele CA7752884.